The following is an entry in ClinVar:

ClinVar aggregate classification (germline): Uncertain significance (1 of 4 stars; one submission).

Conditions:
Nephronophthisis. Also called: Juvenile Nephronophthisis. Identifiers: Orphanet 655, MedGen C0687120, MONDO:0019005, HP:0000090.

Allele frequency attached by ClinVar (database versions not stated): gnomAD exomes below 0.00001 and 0.00001; TOPMed below 0.00001.
gnomAD v4.1: 4 of 1,600,232 alleles (0.00025%); highest among the groups gnomAD compares: Admixed American, 0.0017%; no homozygotes.

Submission:

Labcorp Genetics (formerly Invitae), Labcorp
Classification: Uncertain significance for Nephronophthisis. Last evaluated: 2021-09-01. Review status: criteria provided, single submitter. Criteria: Invitae Variant Classification Sherloc (09022015). Collection method: clinical testing. Allele origin: germline.
Comment: This sequence change replaces tyrosine with histidine at codon 208 of the IQCB1 protein (p.Tyr208His). The tyrosine residue is weakly conserved and there is a moderate physicochemical difference between tyrosine and histidine. This variant is not present in population databases (ExAC no frequency). This variant has not been reported in the literature in individuals affected with IQCB1-related conditions. Algorithms developed to predict the effect of missense changes on protein structure and function output the following: SIFT: "Tolerated"; PolyPhen-2: "Benign"; Align-GVGD: "Class C0". The histidine amino acid residue is found in multiple mammalian species, which suggests that this missense change does not adversely affect protein function. In summary, the available evidence is currently insufficient to determine the role of this variant in disease. Therefore, it has been classified as a Variant of Uncertain Significance.

NM_001023570.4(IQCB1):c.622T>C (p.Tyr208His)

Gene: IQCB1 (IQ motif containing B1; minus strand). Cytogenetic location: 3q13.33.
Variant type: single nucleotide variant.
Coding change: c.622T>C on transcript NM_001023570.4 (MANE Select); coding-DNA position 622, T replaced by C.
Protein change: p.Tyr208His; replaces tyrosine 208 with histidine.
Molecular consequence: missense variant. On other transcripts: non-coding transcript variant (1), intron variant (1).
Genome position (GRCh38, 1-based): chr3:121,799,340, A>G on the plus strand (T>C on the coding strand, the complement: IQCB1 is on the minus strand). VCF-style: chr3-121799340-A-G. GRCh37 (hg19) VCF-style: chr3-121518187-A-G.
Other names: c.622T>C, p.Tyr208His (NM_001319107.2); c.587+8004T>C (NM_001023571.4); short protein forms Y208H.
Identifiers: ClinVar variation 1381831 (VCV001381831.3), dbSNP rs1373905023, ClinGen allele CA354102049.